The following is an entry in ClinVar:

NM_000264.5(PTCH1):c.3716G>C (p.Arg1239Pro)

Gene: PTCH1 (patched 1; minus strand). Cytogenetic location: 9q22.32.
Variant type: single nucleotide variant.
Coding change: c.3716G>C on transcript NM_000264.5 (MANE Select); coding-DNA position 3716, G replaced by C.
Protein change: p.Arg1239Pro; replaces arginine 1239 with proline.
Molecular consequence: missense variant. On other transcripts: non-coding transcript variant (1).
Genome position (GRCh38, 1-based): chr9:95,449,157, C>G on the plus strand (G>C on the coding strand, the complement: PTCH1 is on the minus strand). VCF-style: chr9-95449157-C-G. GRCh37 (hg19) VCF-style: chr9-98211439-C-G.
Other names: c.3518G>C, p.Arg1173Pro (NM_001083602.3); c.3713G>C, p.Arg1238Pro (NM_001083603.3); c.3263G>C, p.Arg1088Pro (NM_001083604.3, NM_001083605.3, NM_001083606.3 and 1 more transcripts); c.3560G>C, p.Arg1187Pro (NM_001354918.2); short protein forms R1173P, R1239P, R1088P, R1238P, R1187P.
Identifiers: ClinVar variation 572673 (VCV000572673.12), dbSNP rs758728491, ClinGen allele CA5138080.

ClinVar aggregate classification (germline): Conflicting classifications of pathogenicity. Review status: criteria provided, conflicting classifications (1 of 4 stars). 2 submissions from 2 submitters: Uncertain significance (1); Likely benign (1). Last evaluated 2025-04-24.

Conditions:
Gorlin syndrome. Also called: Nevoid Basal Cell Carcinoma Syndrome; Basal cell nevus syndrome. Identifiers: Orphanet 377, MedGen C0004779, MONDO:0007187.
Hereditary cancer-predisposing syndrome. Also called: Hereditary neoplastic syndrome; Neoplastic Syndromes, Hereditary; Hereditary Cancer Syndrome; Tumor predisposition. Identifiers: Orphanet 140162, MedGen C0027672, MeSH D009386, MONDO:0015356.

gnomAD v4.1: 7 of 1,613,620 alleles (0.00043%); highest among the groups gnomAD compares: Non-Finnish European, 0.00059%; no homozygotes.

Submissions (2):

Labcorp Genetics (formerly Invitae), Labcorp
Classification: Likely benign for Gorlin syndrome. Last evaluated: 2025-04-24. Review status: criteria provided, single submitter. Criteria: Invitae Variant Classification Sherloc (09022015). Collection method: clinical testing. Allele origin: germline.

Ambry Genetics
Classification: Uncertain significance for Hereditary cancer-predisposing syndrome. Last evaluated: 2023-08-31. Review status: criteria provided, single submitter. Criteria: Ambry Variant Classification Scheme 2023. Collection method: clinical testing. Allele origin: germline.
Comment: The p.R1239P variant (also known as c.3716G>C), located in coding exon 22 of the PTCH1 gene, results from a G to C substitution at nucleotide position 3716. The arginine at codon 1239 is replaced by proline, an amino acid with dissimilar properties. This amino acid position is not well conserved in available vertebrate species. In addition, the in silico prediction for this alteration is inconclusive. Since supporting evidence is limited at this time, the clinical significance of this alteration remains unclear.